The following is an entry in ClinVar:

ClinVar aggregate classification (germline): Pathogenic. Review status: criteria provided, multiple submitters, no conflicts (2 of 4 stars). 2 submissions from 2 submitters: Pathogenic (2). Last evaluated 2025-06-18.

Conditions:
Progressive pseudorheumatoid dysplasia (PPRD). Also called: Progressive Pseudorheumatoid Arthropathy of Childhood; SPONDYLOEPIPHYSEAL DYSPLASIA TARDA WITH PROGRESSIVE ARTHROPATHY. Identifiers: Orphanet 1159, MedGen C0432215, MONDO:0008827, OMIM 208230. Disease mechanism: loss of function.

Allele frequency attached by ClinVar (database versions not stated): ExAC 0.00001; gnomAD 0.00002; gnomAD exomes 0.00002; TOPMed 0.00002.
gnomAD v4.1: 34 of 1,614,050 alleles (0.0021%); highest among the groups gnomAD compares: Non-Finnish European, 0.0029%; 1 homozygote.

Submissions (2):

Women's Health and Genetics/Laboratory Corporation of America, LabCorp
Classification: Pathogenic for Progressive pseudorheumatoid dysplasia. Last evaluated: 2025-06-18. Review status: criteria provided, single submitter. Criteria: LabCorp Variant Classification Summary - May 2015. Collection method: clinical testing. Allele origin: germline.
Comment: Variant summary: CCN6 c.197G>A (p.Ser66Asn) results in a conservative amino acid change in the encoded protein sequence. Algorithms developed to predict the effect of missense changes on protein structure and function are either unavailable or do not agree on the potential impact of this missense change. The variant allele was found at a frequency of 2.1e-05 in 1614050 control chromosomes in the gnomAD database, including 1 homozygotes. This frequency is not significantly higher than estimated for a pathogenic variant in CCN6 causing Progressive Pseudorheumatoid Dysplasia (2.1e-05 vs 0.0011), allowing no conclusion about variant significance. c.197G>A has been observed in multiple individuals affected with Progressive Pseudorheumatoid Dysplasia (Segarra_2012, Montane_2016, Internal data). These data indicate that the variant is very likely to be associated with disease. The following publications have been ascertained in the context of this evaluation (PMID: 26991965, 22791401). ClinVar contains an entry for this variant (Variation ID: 2136454). Based on the evidence outlined above, the variant was classified as pathogenic.

Labcorp Genetics (formerly Invitae), Labcorp
Classification: Pathogenic. Last evaluated: 2025-02-10. Review status: criteria provided, single submitter. Criteria: Invitae Variant Classification Sherloc (09022015). Collection method: clinical testing. Allele origin: germline.
Comment: This sequence change replaces serine, which is neutral and polar, with asparagine, which is neutral and polar, at codon 66 of the WISP3 protein (p.Ser66Asn). This variant is not present in population databases (gnomAD no frequency). This missense change has been observed in individual(s) with clinical features of progressive pseudorheumatoid dysplasia (PMID: 22791401, 26991965; internal data). In at least one individual the data is consistent with being in trans (on the opposite chromosome) from a pathogenic variant. It has also been observed to segregate with disease in related individuals. ClinVar contains an entry for this variant (Variation ID: 2136454). Invitae Evidence Modeling of protein sequence and biophysical properties (such as structural, functional, and spatial information, amino acid conservation, physicochemical variation, residue mobility, and thermodynamic stability) indicates that this missense variant is expected to disrupt WISP3 protein function with a positive predictive value of 95%. For these reasons, this variant has been classified as Pathogenic.

Literature cited by the submitters: PubMed 26991965 (cited by Women's Health and Genetics/Laboratory Corporation of America, LabCorp and Labcorp Genetics (formerly Invitae), Labcorp); PubMed 22791401 (cited by Women's Health and Genetics/Laboratory Corporation of America, LabCorp and Labcorp Genetics (formerly Invitae), Labcorp).

NM_198239.2(CCN6):c.197G>A (p.Ser66Asn)

Gene: CCN6 (cellular communication network factor 6; plus strand). Cytogenetic location: 6q21.
Variant type: single nucleotide variant.
Coding change: c.197G>A on transcript NM_198239.2 (MANE Select); coding-DNA position 197, G replaced by A.
Protein change: p.Ser66Asn; replaces serine 66 with asparagine.
Molecular consequence: missense variant. On other transcripts: non-coding transcript variant (2).
Genome position (GRCh38, 1-based): chr6:112,061,139, G>A. VCF-style: chr6-112061139-G-A. GRCh37 (hg19) VCF-style: chr6-112382342-G-A.
Other names: c.197G>A, p.Ser66Asn (NM_003880.4); short protein forms S66N.
Identifiers: ClinVar variation 2136454 (VCV002136454.5), dbSNP rs782172825, ClinGen allele CA3963933.